The following is an entry in ClinVar:

ClinVar aggregate classification (germline): Uncertain significance. Review status: criteria provided, multiple submitters, no conflicts (2 of 4 stars). 2 submissions from 2 submitters: Uncertain significance (2). Last evaluated 2024-08-26.

Conditions:
Neuroblastoma, susceptibility to, 3. Also called: ALK-Related Neuroblastic Tumor Susceptibility. Identifiers: Orphanet 635, MedGen C2751681, MONDO:0013083, OMIM 613014.
Hereditary cancer-predisposing syndrome. Also called: Tumor predisposition; Neoplastic Syndromes, Hereditary; Hereditary Cancer Syndrome; Hereditary neoplastic syndrome. Identifiers: Orphanet 140162, MedGen C0027672, MeSH D009386, MONDO:0015356.

Allele frequency attached by ClinVar (database versions not stated): TOPMed below 0.00001; gnomAD exomes 0.00001.
gnomAD v4.1: 3 of 1,614,202 alleles (0.00019%); highest among the groups gnomAD compares: East Asian, 0.0067%; no homozygotes.

Submissions (2):

Ambry Genetics
Classification: Uncertain significance for Hereditary cancer-predisposing syndrome. Last evaluated: 2024-08-26. Review status: criteria provided, single submitter. Criteria: Ambry Variant Classification Scheme 2023. Collection method: clinical testing. Allele origin: germline.
Comment: The p.T1102S variant (also known as c.3305C>G), located in coding exon 20 of the ALK gene, results from a C to G substitution at nucleotide position 3305. The threonine at codon 1102 is replaced by serine, an amino acid with similar properties. This amino acid position is well conserved in available vertebrate species. In addition, the in silico prediction for this alteration is inconclusive. Based on the available evidence, the clinical significance of this variant remains unclear.

Baylor Genetics
Classification: Uncertain significance for Neuroblastoma, susceptibility to, 3. Last evaluated: 2023-06-14. Review status: criteria provided, single submitter. Criteria: ACMG Guidelines, 2015. Collection method: clinical testing. Allele origin: unknown.

NM_004304.5(ALK):c.3305C>G (p.Thr1102Ser)

Gene: ALK (ALK receptor tyrosine kinase; minus strand). Cytogenetic location: 2p23.2.
Variant type: single nucleotide variant.
Coding change: c.3305C>G on transcript NM_004304.5 (MANE Select); coding-DNA position 3305, C replaced by G.
Protein change: p.Thr1102Ser; replaces threonine 1102 with serine.
Molecular consequence: missense variant.
Genome position (GRCh38, 1-based): chr2:29,223,396, G>C on the plus strand (C>G on the coding strand, the complement: ALK is on the minus strand). VCF-style: chr2-29223396-G-C. GRCh37 (hg19) VCF-style: chr2-29446262-G-C.
Other names: c.3305C>G (NM_004304.4); c.101C>G, p.Thr34Ser (NM_001353765.2); short protein forms T1102S, T34S.
Identifiers: ClinVar variation 2676264 (VCV002676264.2), dbSNP rs1295561133, ClinGen allele CA346464794.